The following is an entry in ClinVar:

ClinVar aggregate classification (germline): Conflicting classifications of pathogenicity. Review status: criteria provided, conflicting classifications (1 of 4 stars). 9 submissions from 9 submitters: Uncertain significance (1); Benign (5); Likely benign (2). 1 of the submissions does not count toward it. Last evaluated 2026-02-03.

Conditions:
Cardiovascular phenotype. Identifiers: MedGen CN230736.
Hypertrophic cardiomyopathy. Also called: HYPERTROPHIC MYOCARDIOPATHY. Identifiers: Orphanet 217569, MedGen C0007194, MeSH D002312, MONDO:0005045, HP:0001639.
Progressive familial heart block type IB (PFHB1B). Identifiers: Orphanet 871, MedGen C1970298, MONDO:0011474, OMIM 604559.
TRPM4-related disorder. Also called: TRPM4-related disorders; TRPM4-related condition. Identifiers: MedGen CN239424.

Allele frequency attached by ClinVar (database versions not stated): ESP Exome Variant Server 0.00161; gnomAD 0.00165 and 0.00188; TOPMed 0.00174; gnomAD exomes 0.00190 and 0.00203; ExAC 0.00213; 1000 Genomes Project 0.00339; 1000 Genomes Project 30x 0.00375.
gnomAD v4.1: 3,081 of 1,614,062 alleles (0.19%); highest among the groups gnomAD compares: Middle Eastern, 0.79%; 19 homozygotes.

Submissions (9):

Labcorp Genetics (formerly Invitae), Labcorp
Classification: Benign for Progressive familial heart block type IB. Last evaluated: 2026-02-03. Review status: criteria provided, single submitter. Criteria: Invitae Variant Classification Sherloc (09022015). Collection method: clinical testing. Allele origin: germline.

Women's Health and Genetics/Laboratory Corporation of America, LabCorp
Classification: Likely benign. Last evaluated: 2023-12-03. Review status: criteria provided, single submitter. Criteria: LabCorp Variant Classification Summary - May 2015. Collection method: clinical testing. Allele origin: germline.

CeGaT Center for Human Genetics Tuebingen
Classification: Likely benign. Last evaluated: 2022-12-01. Review status: criteria provided, single submitter. Criteria: CeGaT Center For Human Genetics Tuebingen Variant Classification Criteria Version 2. Collection method: clinical testing. Allele origin: germline. Affected: yes. Observed: 2 variant alleles.
Comment: TRPM4: BP4, BS2

ARUP Laboratories, Molecular Genetics and Genomics, ARUP Laboratories
Classification: Benign. Last evaluated: 2019-11-11. Review status: criteria provided, single submitter. Criteria: ARUP Molecular Germline Variant Investigation Process. Collection method: clinical testing. Allele origin: germline.

Ambry Genetics
Classification: Benign for Cardiovascular phenotype. Last evaluated: 2018-06-25. Review status: criteria provided, single submitter. Criteria: Ambry Variant Classification Scheme 2023. Collection method: clinical testing. Allele origin: germline.

Illumina Laboratory Services, Illumina
Classification: Uncertain significance for Progressive familial heart block type IB. Last evaluated: 2017-04-27. Review status: criteria provided, single submitter. Criteria: ICSL Variant Classification Criteria 13 December 2019. Collection method: clinical testing. Allele origin: germline.
Comment: This variant was observed as part of a predisposition screen in an ostensibly healthy population. A literature search was performed for the gene, cDNA change, and amino acid change (where applicable). Publications were found based on this search. However, the evidence from the literature, in combination with allele frequency data from public databases where available, was not sufficient to rule this variant in or out of causing disease. Therefore, this variant is classified as a variant of unknown significance.

Center for Advanced Laboratory Medicine, UC San Diego Health, University of California San Diego
Classification: Benign for Hypertrophic cardiomyopathy. Last evaluated: 2017-02-22. Review status: criteria provided, single submitter. Criteria: ACMG Guidelines, 2015. Collection method: clinical testing. Allele origin: germline. Affected: yes. Observed: 1 variant allele.

GeneDx
Classification: Benign. Last evaluated: 2017-02-13. Review status: criteria provided, single submitter. Criteria: GeneDx Variant Classification (06012015). Collection method: clinical testing. Allele origin: germline. Affected: yes.
Comment: This variant is considered likely benign or benign based on one or more of the following criteria: it is a conservative change, it occurs at a poorly conserved position in the protein, it is predicted to be benign by multiple in silico algorithms, and/or has population frequency not consistent with disease.

PreventionGenetics, part of Exact Sciences
Classification: Benign for TRPM4-related condition. Last evaluated: 2019-05-30. Review status: no assertion criteria provided. Collection method: clinical testing. Allele origin: germline. Not counted in ClinVar's aggregate classification.
Comment: This variant is classified as benign based on ACMG/AMP sequence variant interpretation guidelines (Richards et al. 2015 PMID: 25741868, with internal and published modifications).

Literature cited by the submitters: PubMed 23382873 (cited by Illumina Laboratory Services, Illumina).

NM_017636.4(TRPM4):c.2209G>A (p.Gly737Arg)

Gene: TRPM4 (transient receptor potential cation channel subfamily M member 4; plus strand). Cytogenetic location: 19q13.33.
Variant type: single nucleotide variant.
Coding change: c.2209G>A on transcript NM_017636.4 (MANE Select); coding-DNA position 2209, G replaced by A.
Protein change: p.Gly737Arg; replaces glycine 737 with arginine.
Molecular consequence: missense variant.
Genome position (GRCh38, 1-based): chr19:49,190,772, G>A. VCF-style: chr19-49190772-G-A. GRCh37 (hg19) VCF-style: chr19-49694029-G-A.
Other names: c.2209G>A, p.Gly737Arg (NM_001195227.2); c.1864G>A, p.Gly622Arg (NM_001321281.2); c.601G>A, p.Gly201Arg (NM_001321282.2); c.1687G>A, p.Gly563Arg (NM_001321283.2); c.1147G>A, p.Gly383Arg (NM_001321285.2); short protein forms G737R, G383R, G201R, G563R, G622R.
Identifiers: ClinVar variation 468934 (VCV000468934.51), dbSNP rs145847114, ClinGen allele CA9569476.